The following is an entry in ClinVar:

GRCh37/hg19 Xq12(chrX:67317060-67372633)x0

Gene: OPHN1 (oligophrenin 1; minus strand). Cytogenetic location: Xq12.
Variant type: copy number loss.
Change: copy number 0 of chrX:67,317,060-67,372,633 (55.6 kb, GRCh37 coordinates, 1-based), cytogenetic band Xq12.
Identifiers: ClinVar variation 3391955 (VCV003391955.1).

ClinVar aggregate classification (germline): Pathogenic (1 of 4 stars; one submission).

Submission:

Quest Diagnostics Nichols Institute San Juan Capistrano
Classification: Pathogenic. Last evaluated: 2024-02-12. Review status: criteria provided, single submitter. Criteria: ACMG/ClinGen CNV Guidelines, 2019. Collection method: clinical testing. Allele origin: unknown.
Comment: This loss involves multiple exons (NM_002547.3) of an intragenic portion of OPHN1 (OMIM 300127). Haploinsufficiency of OPHN1 is associated with Billuart-type X-linked syndromic intellectual developmental disorder (MRXSBL; OMIM 300486; CCID:007594; Al-Owain 2022, Bergmann 2003). There are no similar copy number losses of this region in the general populations of the Database of Genomic Variants. Thus, this copy number variant (CNV) is classified as pathogenic. References: Al-Owain et al., Clin Genet. 2011 Apr;79(4):363-70. PMID: 20528889; Bergmann et al., Brain. 2003 Jul;126(Pt 7):1537-44. PMID: 12805098